The following is an entry in ClinVar:

ClinVar aggregate classification (germline): Uncertain significance (1 of 4 stars; one submission).

Conditions:
NOTCH1-related disorder. Also called: NOTCH1-related disorders; NOTCH1-related condition.

Submission:

PreventionGenetics, part of Exact Sciences
Classification: Uncertain significance for NOTCH1-related condition. Last evaluated: 2023-07-06. Review status: criteria provided, single submitter. Criteria: ACMG Guidelines, 2015. Collection method: clinical testing. Allele origin: germline.
Comment: The NOTCH1 c.3507C>T variant is not predicted to result in an amino acid change (p.=). This variant is predicted to alter splicing based on available splicing prediction programs (Alamut Visual Plus v1.6.1). However, such computer prediction programs are imperfect. To our knowledge, this variant has not been reported in the literature or in a large population database, indicating this variant is rare. At this time, the clinical significance of this variant is uncertain due to the absence of conclusive functional and genetic evidence.

NM_017617.5(NOTCH1):c.3507C>T (p.Cys1169=)

Gene: NOTCH1 (notch receptor 1; minus strand). Cytogenetic location: 9q34.3.
Variant type: single nucleotide variant.
Coding change: c.3507C>T on transcript NM_017617.5 (MANE Select); coding-DNA position 3507, C replaced by T.
Protein change: p.Cys1169=; no amino-acid change (cysteine 1169 retained).
Molecular consequence: synonymous variant.
Genome position (GRCh38, 1-based): chr9:136,507,958, G>A on the plus strand (C>T on the coding strand, the complement: NOTCH1 is on the minus strand). VCF-style: chr9-136507958-G-A. GRCh37 (hg19) VCF-style: chr9-139402410-G-A.
Identifiers: ClinVar variation 2631243 (VCV002631243.1), dbSNP rs1236247464, ClinGen allele CA467833063.
Genomic context (GRCh38, chr9:136,507,958, plus strand): 5'-CTGGTGTGTGGCAACACTCGTGCCGGCCACAACCCTTACCCTAGGAGGGACCCCCACCTT[G>A]CAGGAGTAGCCGCCCAGGTAGTCCGTGCAGGTGGCCCCGTTCTGGCAGGGGCTGGGTGAG-3'
Protein context (NP_060087.3, residues 1159-1179): TCTDYLGGYS[Cys1169=]KCVAGYHGVN